The following is an entry in ClinVar:

ClinVar aggregate classification (germline): Pathogenic/Likely pathogenic. Review status: criteria provided, multiple submitters, no conflicts (2 of 4 stars). 15 submissions from 15 submitters: Pathogenic (7); Likely pathogenic (5). 3 of the submissions do not count toward it. Last evaluated 2026-02-02.

Conditions:
Fanconi anemia complementation group A (FANCA). Also called: FANCA-Related Fanconi Anemia; Fanconi anemia, group A. Identifiers: Orphanet 84, MedGen C3469521, MONDO:0009215, OMIM 227650.
FANCA-related disorder. Also called: FANCA-related condition.
Fanconi anemia (FA). Also called: Fanconi's anemia. Identifiers: Orphanet 84, MedGen C0015625, MeSH D005199, MONDO:0019391.

Allele frequency attached by ClinVar (database versions not stated): gnomAD exomes 0.00002; ExAC 0.00003; gnomAD 0.00004 and 0.00005; TOPMed 0.00006; ESP Exome Variant Server 0.00008.
gnomAD v4.1: 29 of 1,614,086 alleles (0.0018%); highest among the groups gnomAD compares: Admixed American, 0.012%; no homozygotes.

Submissions (15):

Labcorp Genetics (formerly Invitae), Labcorp
Classification: Pathogenic for Fanconi anemia. Last evaluated: 2026-02-02. Review status: criteria provided, single submitter. Criteria: Invitae Variant Classification Sherloc (09022015). Collection method: clinical testing. Allele origin: germline.
Comment: This sequence change replaces arginine, which is basic and polar, with glutamine, which is neutral and polar, at codon 880 of the FANCA protein (p.Arg880Gln). This variant is present in population databases (rs372254398, gnomAD 0.01%). This missense change has been observed in individual(s) with Fanconi anemia (PMID: 16397136, 19367192, 21273304, 29098742; internal data). In at least one individual the data is consistent with being in trans (on the opposite chromosome) from a pathogenic variant. ClinVar contains an entry for this variant (Variation ID: 555460). Invitae Evidence Modeling of protein sequence and biophysical properties (such as structural, functional, and spatial information, amino acid conservation, physicochemical variation, residue mobility, and thermodynamic stability) has been performed for this missense variant. However, the output from this modeling did not meet the statistical confidence thresholds required to predict the impact of this variant on FANCA protein function. Experimental studies have shown that this missense change affects FANCA function (PMID: 16397136, 21273304). For these reasons, this variant has been classified as Pathogenic.

Natera, Inc.
Classification: Pathogenic for Fanconi anemia. Last evaluated: 2025-12-13. Review status: criteria provided, single submitter. Criteria: Natera Variant Classification Schema (03/2026). Collection method: clinical testing. Allele origin: germline.
Comment: The c.2639G>A variant in FANCA is a missense variant predicted to cause substitution of arginine to glutamine at amino acid 880. This variant is rare in the general population with a frequency below the threshold expected for the associated phenotype(s). This variant has been observed in one or more individuals affected with the associated recessive disease, as either homozygous or compound heterozygous with a second variant (PMID: 21273304, 29098742). Computational prediction algorithms indicate this variant is likely to affect gene or protein function. Given the available evidence, this variant is classified as Pathogenic.

Dasa
Classification: Likely pathogenic. Last evaluated: 2025-07-22. Review status: criteria provided, single submitter. Criteria: DASA Assertion Criteria. Collection method: clinical testing. Allele origin: germline.
Comment: NM_000135.4(FANCA):c.2639G>A (p.Arg880Gln) is a missense variant that results in the substitution of arginine with glutamine. This variant has been recurrently observed in individuals with FANCA-related disorders (PMID: 16397136; PMID: 19367192; PMID: 21273304; PMID: 29098742). Functional evidence supports an impact on the gene or gene product (PMID: 16397136; PMID: 19367192; PMID: 21273304; PMID: 29098742). Also, this variant is rare in population databases. Based on the currently available evidence, this variant is classified as likely pathogenic.

PreventionGenetics, part of Exact Sciences
Classification: Pathogenic for FANCA-related condition. Last evaluated: 2024-12-30. Review status: criteria provided, single submitter. Criteria: ACMG Guidelines, 2015. Collection method: clinical testing. Allele origin: germline.
Comment: The FANCA c.2639G>A variant is predicted to result in the amino acid substitution p.Arg880Gln. This variant has been reported in the compound heterozygous state in multiple individuals with Fanconi anemia (reported as c.2670G>A, Mankad et al. 2006. PubMed ID: 16397136; Castella et al. 2011. PubMed ID: 21273304; Kimble et al. 2017. PubMed ID: 29098742). In vitro functional studies demonstrated cellular mislocalization of the protein and impaired protein function which were restored by an in cis variant c.2896G>A (reported as 2927G>A, Mankad et al. 2006. PubMed ID: 16397136). This variant is reported in 0.0098% of alleles in individuals of South Asian descent in gnomAD. This variant is interpreted as likely pathogenic or pathogenic in ClinVar. This variant is interpreted as pathogenic.

CeGaT Center for Human Genetics Tuebingen
Classification: Pathogenic. Last evaluated: 2024-09-01. Review status: criteria provided, single submitter. Criteria: CeGaT Center For Human Genetics Tuebingen Variant Classification Criteria Version 2. Collection method: clinical testing. Allele origin: germline. Affected: yes. Observed: 1 variant allele.
Comment: FANCA: PM3:Very Strong, PM2, PS4:Moderate, PS3:Supporting

Fulgent Genetics
Classification: Likely pathogenic for Fanconi anemia complementation group A. Last evaluated: 2024-06-10. Review status: criteria provided, single submitter. Criteria: ACMG Guidelines, 2015. Collection method: clinical testing. Allele origin: germline.

Baylor Genetics
Classification: Pathogenic for Fanconi anemia complementation group A. Last evaluated: 2024-03-29. Review status: criteria provided, single submitter. Criteria: ACMG Guidelines, 2015. Collection method: clinical testing. Allele origin: unknown.

3billion
Classification: Likely pathogenic for Fanconi anemia complementation group A. Last evaluated: 2023-08-22. Review status: criteria provided, single submitter. Criteria: ACMG Guidelines, 2015. Collection method: clinical testing. Allele origin: germline. Affected: yes.
Comment: The variant is observed at an extremely low frequency in the gnomAD v2.1.1 dataset (total allele frequency: 0.002%). Predicted Consequence/Location: Protein truncation variants are a common disease-causing mechanism. In silico tool predictions suggest damaging effect of the variant on gene or gene product [REVEL: 0.82 (>=0.6, sensitivity 0.68 and specificity 0.92); 3Cnet: 0.84 (>=0.6, sensitivity 0.72 and precision 0.9)]. Same nucleotide change resulting in same amino acid change has been previously reported as pathogenic/likely pathogenic with strong evidence (ClinVar ID: VCV000555460 /PMID: 19367192). A different missense change at the same codon (p.Arg880Gly) has been reported to be associated with FANCA-related disorder (ClinVar ID: VCV000425115 /PMID: 32487094). Therefore, this variant is classified as Likely pathogenic according to the recommendation of ACMG/AMP guideline.

Quest Diagnostics Nichols Institute San Juan Capistrano
Classification: Pathogenic. Last evaluated: 2022-05-20. Review status: criteria provided, single submitter. Criteria: Quest Diagnostics criteria. Collection method: clinical testing. Allele origin: unknown.
Comment: In the published literature, the variant has been reported in individuals with Fanconi Anemia (PMID: 29904161 (2019), 29098742 (2018), 21273304 (2011), 19367192 (2009), 16397136 (2006)). This variant has also been shown to have a deleterious effect on FANCA protein function (PMID: 16397136 (2006)). The frequency of this variant in the general population, 0.000098 (3/30616 chromosomes), is consistent with pathogenicity. Analysis of this variant using bioinformatics tools for the prediction of the effect of amino acid changes on protein structure and function yielded predictions that this variant is damaging. Based on the available information, this variant is classified as pathogenic.

Women's Health and Genetics/Laboratory Corporation of America, LabCorp
Classification: Pathogenic for Fanconi anemia. Last evaluated: 2022-04-24. Review status: criteria provided, single submitter. Criteria: LabCorp Variant Classification Summary - May 2015. Collection method: clinical testing. Allele origin: germline.
Comment: Variant summary: FANCA c.2639G>A (p.Arg880Gln) results in a conservative amino acid change in the encoded protein sequence. Three of five in-silico tools predict a damaging effect of the variant on protein function. The variant allele was found at a frequency of 2.4e-05 in 251458 control chromosomes. c.2639G>A has been reported in the literature as a compound heterozygous genotype in multiple individuals affected with Fanconi Anemia (example, Mankad_2006, Moghrabi_2009, Castella_2011, Kimble_2018). These data indicate that the variant is very likely to be associated with disease. At-least one publication reports experimental evidence that this variant results in primarily cytoplasmic expression and reduced function of the mutant FANCA protein (Mankad_2006). Six clinical diagnostic laboratories have submitted clinical-significance assessments for this variant to ClinVar after 2014 with a predominant consensus as Likely Pathogenic/Pathogenic (n=5) (VUS, n=1). Based on the evidence outlined above, the variant was classified as pathogenic.

Sema4
Classification: Likely pathogenic for Fanconi anemia. Last evaluated: 2022-01-06. Review status: criteria provided, single submitter. Criteria: Sema4 Curation Guidelines. Collection method: curation. Allele origin: germline.
Comment: The FANCA c.2639G>A (p.R880Q) variant has been reported as compound heterozygous in at least eight individuals with Fanconi anaemia (PMID: 16397136, 19367192, 21273304, 29098742). Functional studies have shown that this variant alters FANCA protein function in transfected and patient-derived cells (PMID: 16397136, 21273304). This variant has been reported in ClinVar (Variation ID: 555460). This variant was observed in 3/30616 chromosomes in the South Asian population according to the Genome Aggregation Database (PMID: 32461654). Based on the current evidence available, this variant is interpreted as likely pathogenic.

Molecular Diagnostics Laboratory, M Health Fairview: University of Minnesota
Classification: Likely pathogenic for Fanconi anemia complementation group A. Last evaluated: 2019-05-30. Review status: criteria provided, single submitter. Criteria: ACMG Guidelines, 2015. Collection method: clinical testing. Allele origin: germline. Affected: yes. Observed: 2 variant alleles.

OMIM
Classification: Pathogenic for FANCONI ANEMIA, COMPLEMENTATION GROUP A. Last evaluated: 2022-01-11. Review status: no assertion criteria provided. Collection method: literature only. Allele origin: unknown. Not counted in ClinVar's aggregate classification.

Leiden Open Variation Database
Classification: Pathogenic for Fanconi anemia complementation group A. Last evaluated: 2020-02-28. Review status: no assertion criteria provided. Collection method: curation. Allele origin: germline. Affected: yes. Not counted in ClinVar's aggregate classification.
Comment: Curator: Arleen D. Auerbach. Submitters to LOVD: Arleen D. Auerbach, Sue Richards.

Counsyl
Classification: Uncertain significance for Fanconi anemia complementation group A. Last evaluated: 2017-12-07. Review status: no assertion criteria provided. Collection method: clinical testing. Allele origin: unknown. Not counted in ClinVar's aggregate classification.

Literature cited by the submitters: PubMed 16397136 (cited by 6 submitters); PubMed 19367192 (cited by 7 submitters); PubMed 21273304 (cited by 9 submitters); PubMed 29098742 (cited by 6 submitters); PubMed 32487094 (cited by 3billion); PubMed 29904161 (cited by Quest Diagnostics Nichols Institute San Juan Capistrano and OMIM); PubMed 26556299 (cited by Quest Diagnostics Nichols Institute San Juan Capistrano); PubMed 25751062 (cited by Counsyl).

NM_000135.4(FANCA):c.2639G>A (p.Arg880Gln)

Genes: FANCA (FA complementation group A; minus strand), LOC130059837 (ATAC-STARR-seq lymphoblastoid active region 11420; plus strand). Cytogenetic location: 16q24.3.
Variant type: single nucleotide variant.
Coding change: c.2639G>A on transcript NM_000135.4 (MANE Select); coding-DNA position 2639, G replaced by A.
Protein change: p.Arg880Gln; replaces arginine 880 with glutamine.
Molecular consequence: missense variant.
Genome position (GRCh38, 1-based): chr16:89,765,029, C>T on the plus strand (G>A on the coding strand, the complement: FANCA is on the minus strand). VCF-style: chr16-89765029-C-T. GRCh37 (hg19) VCF-style: chr16-89831437-C-T.
Other names: NM_000135.2:c.2639G>A; c.2639G>A, p.Arg880Gln (NM_001286167.3); c.2639G>A (NM_000135.3, LRG_495t1); short protein forms R880Q.
Identifiers: ClinVar variation 555460 (VCV000555460.43), dbSNP rs372254398, ClinGen allele CA8251606.
Genomic context (GRCh38, chr16:89,765,029, plus strand): 5'-GAAGGAAGGTGCAAGGGTCTCCAGGAAAGGCTGGCTACGTCCTCCTCAGAAAGAGGCTGT[C>T]GGGCCTCTGAGAACAATCTGAACATGAGGAACTGAAACTGAAACAGAGAGTGACCCGGCC-3'
Protein context (NP_000126.2, residues 870-890): FLMFRLFSEA[Arg880Gln]QPLSEEDVAS